The following is an entry in ClinVar:

NM_015378.4(VPS13D):c.9737A>G (p.Gln3246Arg)

Gene: VPS13D (vacuolar protein sorting 13 homolog D; plus strand). Cytogenetic location: 1p36.22.
Variant type: single nucleotide variant.
Coding change: c.9737A>G on transcript NM_015378.4 (MANE Select); coding-DNA position 9737, A replaced by G.
Protein change: p.Gln3246Arg; replaces glutamine 3246 with arginine.
Molecular consequence: missense variant.
Genome position (GRCh38, 1-based): chr1:12,355,956, A>G. VCF-style: chr1-12355956-A-G. GRCh37 (hg19) VCF-style: chr1-12416013-A-G.
Other names: c.9737A>G (NM_015378.2); c.9662A>G, p.Gln3221Arg (NM_018156.4); short protein forms Q3221R, Q3246R.
Identifiers: ClinVar variation 1308623 (VCV001308623.9), dbSNP rs146589155, ClinGen allele CA603498.
Genomic context (GRCh38, chr1:12,355,956, plus strand): 5'-TAGGGGTATCACTGGAGAATTTCCCCCTCTGTAAAGAATTGCTCATTCCACCTGGAACCC[A>G]AAACTATATGGTGAGAATGCGACTCTATGACGTCAACCGTCGGCAGCTGAACCTCACCAT-3'
Protein context (NP_056193.2, residues 3236-3256): CKELLIPPGT[Gln3246Arg]NYMVRMRLYD

ClinVar aggregate classification (germline): Uncertain significance. Review status: criteria provided, multiple submitters, no conflicts (2 of 4 stars). 5 submissions from 5 submitters: Uncertain significance (5). Last evaluated 2025-03-22.

Conditions:
Inborn genetic diseases. Identifiers: MedGen C0950123, MeSH D030342.
Autosomal recessive cerebellar ataxia-saccadic intrusion syndrome. Also called: VPS13D Movement Disorder; SPINOCEREBELLAR ATAXIA 24. Identifiers: Orphanet 95434, MedGen C1846492, MONDO:0011811, OMIM 607317.

Allele frequency attached by ClinVar (database versions not stated): gnomAD 0.00008 and 0.00009; TOPMed 0.00008; ExAC 0.00010; gnomAD exomes 0.00010; ESP Exome Variant Server 0.00023.
gnomAD v4.1: 155 of 1,612,832 alleles (0.0096%); highest among the groups gnomAD compares: Non-Finnish European, 0.012%; no homozygotes.

Submissions (5):

Labcorp Genetics (formerly Invitae), Labcorp
Classification: Uncertain significance. Last evaluated: 2025-03-22. Review status: criteria provided, single submitter. Criteria: Invitae Variant Classification Sherloc (09022015). Collection method: clinical testing. Allele origin: germline.
Comment: This sequence change replaces glutamine, which is neutral and polar, with arginine, which is basic and polar, at codon 3246 of the VPS13D protein (p.Gln3246Arg). This variant is present in population databases (rs146589155, gnomAD 0.02%). This variant has not been reported in the literature in individuals affected with VPS13D-related conditions. ClinVar contains an entry for this variant (Variation ID: 1308623). Invitae Evidence Modeling of protein sequence and biophysical properties (such as structural, functional, and spatial information, amino acid conservation, physicochemical variation, residue mobility, and thermodynamic stability) indicates that this missense variant is not expected to disrupt VPS13D protein function with a negative predictive value of 80%. In summary, the available evidence is currently insufficient to determine the role of this variant in disease. Therefore, it has been classified as a Variant of Uncertain Significance.

Blueprint Genetics
Classification: Uncertain significance. Last evaluated: 2024-03-21. Review status: criteria provided, single submitter. Criteria: ACMG Guidelines, 2015. Collection method: clinical testing. Allele origin: germline.

Ambry Genetics
Classification: Uncertain significance for Inborn genetic diseases. Last evaluated: 2024-01-30. Review status: criteria provided, single submitter. Criteria: Ambry Variant Classification Scheme 2023. Collection method: clinical testing. Allele origin: germline.

GeneDx
Classification: Uncertain significance. Last evaluated: 2024-01-24. Review status: criteria provided, single submitter. Criteria: GeneDx Variant Classification Process June 2021. Collection method: clinical testing. Allele origin: germline. Affected: yes.
Comment: In silico analysis, which includes protein predictors and evolutionary conservation, supports that this variant does not alter protein structure/function; Has not been previously published as pathogenic or benign to our knowledge

Baylor Genetics
Classification: Uncertain significance for Autosomal recessive cerebellar ataxia-saccadic intrusion syndrome. Last evaluated: 2023-07-28. Review status: criteria provided, single submitter. Criteria: ACMG Guidelines, 2015. Collection method: clinical testing. Allele origin: unknown.